The following is an entry in ClinVar:

NM_001370259.2(MEN1):c.1820G>A (p.Arg607His)

Gene: MEN1 (menin 1; minus strand). Cytogenetic location: 11q13.1.
Variant type: single nucleotide variant.
Coding change: c.1820G>A on transcript NM_001370259.2 (MANE Select); coding-DNA position 1820, G replaced by A.
Protein change: p.Arg607His; replaces arginine 607 with histidine.
Molecular consequence: missense variant. On other transcripts: non-coding transcript variant (4).
Genome position (GRCh38, 1-based): chr11:64,804,347, C>T on the plus strand (G>A on the coding strand, the complement: MEN1 is on the minus strand). VCF-style: chr11-64804347-C-T. GRCh37 (hg19) VCF-style: chr11-64571819-C-T.
Other names: c.1820G>A, p.Arg607His (NM_001370260.2, NM_001370261.2, NM_001407146.1 and 2 more transcripts); c.1715G>A, p.Arg572His (NM_001370262.2, NM_001370263.2, NM_001407148.1 and 1 more transcripts); c.1835G>A, p.Arg612His (NM_000244.4, NM_001407145.1, NM_130800.3 and 4 more transcripts); c.1946G>A, p.Arg649His (NM_001370251.2, NM_001407142.1, NM_001407143.1 and 1 more transcripts); c.1961G>A, p.Arg654His (NM_001407150.1); c.1841G>A, p.Arg614His (NM_001407151.1); c.1655G>A, p.Arg552His (NM_001407152.1); short protein forms R572H, R607H, R612H, R654H, R552H, R614H, R649H.
Identifiers: ClinVar variation 3634180 (VCV003634180.2).
Genomic context (GRCh38, chr11:64,804,347, plus strand): 5'-AAGGGCGGAGCCTGGGTCCCCACAAGCGGTCCGAAGTCCCCAGTAGTTCAGAGGCCTTTG[C>T]GCTGCCGCTTGAGGAAAGACAGAGTGTAGTCACTAGGGGTGGACACTTTCTGCTTCTTCA-3'
Protein context (NP_001357188.2, residues 597-610): DYTLSFLKRQ[Arg607His]KGL

ClinVar aggregate classification (germline): Uncertain significance (1 of 4 stars; one submission).

Conditions:
Multiple endocrine neoplasia, type 1 (MEN1). Also called: MEN I; WERMER SYNDROME; Endocrine adenomatosis multiple; MEN 1; MEA I. Identifiers: Orphanet 652, MedGen C0025267, MeSH D018761, MONDO:0007540, OMIM 131100.

Submission:

Labcorp Genetics (formerly Invitae), Labcorp
Classification: Uncertain significance for Multiple endocrine neoplasia, type 1. Last evaluated: 2024-04-04. Review status: criteria provided, single submitter. Criteria: Invitae Variant Classification Sherloc (09022015). Collection method: clinical testing. Allele origin: germline.
Comment: This sequence change replaces arginine, which is basic and polar, with histidine, which is basic and polar, at codon 607 of the MEN1 protein (p.Arg607His). This variant is not present in population databases (gnomAD no frequency). This variant has not been reported in the literature in individuals affected with MEN1-related conditions. Advanced modeling of protein sequence and biophysical properties (such as structural, functional, and spatial information, amino acid conservation, physicochemical variation, residue mobility, and thermodynamic stability) performed at Invitae indicates that this missense variant is expected to disrupt MEN1 protein function with a positive predictive value of 95%. In summary, the available evidence is currently insufficient to determine the role of this variant in disease. Therefore, it has been classified as a Variant of Uncertain Significance.